The following is an entry in ClinVar:

NM_177438.3(DICER1):c.223G>A (p.Val75Ile)

Gene: DICER1 (dicer 1, ribonuclease III; minus strand). Cytogenetic location: 14q32.13.
Variant type: single nucleotide variant.
Coding change: c.223G>A on transcript NM_177438.3 (MANE Select); coding-DNA position 223, G replaced by A.
Protein change: p.Val75Ile; replaces valine 75 with isoleucine.
Molecular consequence: missense variant. On other transcripts: 5 prime UTR variant (9), non-coding transcript variant (6).
Genome position (GRCh38, 1-based): chr14:95,132,599, C>T on the plus strand (G>A on the coding strand, the complement: DICER1 is on the minus strand). VCF-style: chr14-95132599-C-T. GRCh37 (hg19) VCF-style: chr14-95598936-C-T.
Other names: c.223G>A, p.Val75Ile (NM_001395683.1, NM_001395684.1, NM_001395692.1 and 14 more transcripts); c.-52G>A (NM_001395686.1, NM_001395687.1, NM_001395688.1 and 4 more transcripts); c.-236G>A (NM_001395691.1); c.-1346G>A (NM_001395697.1); short protein forms V75I.
Identifiers: ClinVar variation 4637726 (VCV004637726.2).

ClinVar aggregate classification (germline): Uncertain significance. Review status: criteria provided, multiple submitters, no conflicts (2 of 4 stars). 2 submissions from 2 submitters: Uncertain significance (2). Last evaluated 2025-12-23.

Conditions:
Hereditary cancer-predisposing syndrome. Also called: Hereditary neoplastic syndrome; Hereditary Cancer Syndrome; Neoplastic Syndromes, Hereditary; Tumor predisposition. Identifiers: Orphanet 140162, MedGen C0027672, MeSH D009386, MONDO:0015356.
DICER1-related tumor predisposition. Also called: DICER1-related pleuropulmonary blastoma cancer predisposition syndrome; DICER1 syndrome. Identifiers: Orphanet 284343, MedGen C3839822, MONDO:0100216.

Submissions (2):

Labcorp Genetics (formerly Invitae), Labcorp
Classification: Uncertain significance for DICER1-related tumor predisposition. Last evaluated: 2025-12-23. Review status: criteria provided, single submitter. Criteria: Invitae Variant Classification Sherloc (09022015). Collection method: clinical testing. Allele origin: germline.
Comment: This sequence change replaces valine, which is neutral and non-polar, with isoleucine, which is neutral and non-polar, at codon 75 of the DICER1 protein (p.Val75Ile). This variant is not present in population databases (gnomAD no frequency). This variant has not been reported in the literature in individuals affected with DICER1-related conditions. Invitae Evidence Modeling of protein sequence and biophysical properties (such as structural, functional, and spatial information, amino acid conservation, physicochemical variation, residue mobility, and thermodynamic stability) indicates that this missense variant is not expected to disrupt DICER1 protein function with a negative predictive value of 95%. In summary, the available evidence is currently insufficient to determine the role of this variant in disease. Therefore, it has been classified as a Variant of Uncertain Significance.

Ambry Genetics
Classification: Uncertain significance for Hereditary cancer-predisposing syndrome. Last evaluated: 2025-11-24. Review status: criteria provided, single submitter. Criteria: Ambry Variant Classification Scheme 2023. Collection method: clinical testing. Allele origin: germline.
Comment: The p.V75I variant (also known as c.223G>A), located in coding exon 2 of the DICER1 gene, results from a G to A substitution at nucleotide position 223. The valine at codon 75 is replaced by isoleucine, an amino acid with highly similar properties. This amino acid position is highly conserved in available vertebrate species. In addition, this alteration is predicted to be tolerated by in silico analysis. Based on the available evidence, the clinical significance of this variant remains unclear.